The following is an entry in ClinVar:

ClinVar aggregate classification (germline): Likely benign. Review status: criteria provided, multiple submitters, no conflicts (2 of 4 stars). 3 submissions from 3 submitters: Likely benign (3). Last evaluated 2025-09-18.

Conditions:
Cardiovascular phenotype. Identifiers: MedGen CN230736.
Glycogen storage disease, type II (IOPD). Also called: CARDIOMEGALIA GLYCOGENICA DIFFUSA; ACID ALPHA-GLUCOSIDASE DEFICIENCY, INFANTILE-ONSET; GAA DEFICIENCY, INFANTILE-ONSET; ACID MALTASE DEFICIENCY, INFANTILE-ONSET; Glucosidase acid-1,4-alpha deficiency; Pompe Disease. Identifiers: Orphanet 365, MedGen C0017921, MONDO:0009290, OMIM 232300.

gnomAD v4.1: 1 of 1,613,094 alleles (0.000062%); highest among the groups gnomAD compares: Non-Finnish European, 0.000085%; no homozygotes.

Submissions (3):

Ambry Genetics
Classification: Likely benign for Cardiovascular phenotype. Last evaluated: 2025-09-18. Review status: criteria provided, single submitter. Criteria: Ambry Variant Classification Scheme 2023. Collection method: clinical testing. Allele origin: germline.

Labcorp Genetics (formerly Invitae), Labcorp
Classification: Likely benign for Glycogen storage disease, type II. Last evaluated: 2023-06-17. Review status: criteria provided, single submitter. Criteria: Invitae Variant Classification Sherloc (09022015). Collection method: clinical testing. Allele origin: germline.

GeneDx
Classification: Likely benign. Last evaluated: 2017-09-26. Review status: criteria provided, single submitter. Criteria: GeneDx Variant Classification (06012015). Collection method: clinical testing. Allele origin: germline. Affected: yes.
Comment: This variant is considered likely benign or benign based on one or more of the following criteria: it is a conservative change, it occurs at a poorly conserved position in the protein, it is predicted to be benign by multiple in silico algorithms, and/or has population frequency not consistent with disease.

NM_000152.5(GAA):c.1095A>C (p.Pro365=)

Gene: GAA (alpha glucosidase; plus strand). Cytogenetic location: 17q25.3.
Variant type: single nucleotide variant.
Coding change: c.1095A>C on transcript NM_000152.5 (MANE Select); coding-DNA position 1095, A replaced by C.
Protein change: p.Pro365=; no amino-acid change (proline 365 retained).
Molecular consequence: synonymous variant.
Genome position (GRCh38, 1-based): chr17:80,108,508, A>C. VCF-style: chr17-80108508-A-C. GRCh37 (hg19) VCF-style: chr17-78082307-A-C.
Other names: c.1095A>C, p.Pro365= (NM_001079803.3, NM_001079804.3); c.1095A>C (LRG_673t1).
Identifiers: ClinVar variation 511803 (VCV000511803.5), dbSNP rs1555600060, ClinGen allele CA502402379.